The following is an entry in ClinVar:

NM_001077653.2(TBX20):c.14C>T (p.Ala5Val)

Gene: TBX20 (T-box transcription factor 20; minus strand). Cytogenetic location: 7p14.2.
Variant type: single nucleotide variant.
Coding change: c.14C>T on transcript NM_001077653.2 (MANE Select); coding-DNA position 14, C replaced by T.
Protein change: p.Ala5Val; replaces alanine 5 with valine.
Molecular consequence: missense variant.
Genome position (GRCh38, 1-based): chr7:35,253,607, G>A on the plus strand (C>T on the coding strand, the complement: TBX20 is on the minus strand). VCF-style: chr7-35253607-G-A. GRCh37 (hg19) VCF-style: chr7-35293218-G-A.
Other names: c.14C>T, p.Ala5Val (NM_001166220.1); short protein forms A5V.
Identifiers: ClinVar variation 3013840 (VCV003013840.3), dbSNP rs776539771, ClinGen allele CA367265686.
Genomic context (GRCh38, chr7:35,253,607, plus strand): 5'-GACATGAGCGCGGCAATGGAGAAGGCGTTGGCCCGAGAGGAGAGTTGGGGCTTGGGGGAC[G>A]CCGTGAACTCCATGGTCCCCAGCACGCGGTCCTGGCCAGGGACGGGGTCGTCCGAACTGC-3'
Protein context (NP_001071121.1, residues 1-15): MEFT[Ala5Val]SPKPQLSSRA

ClinVar aggregate classification (germline): Uncertain significance (1 of 4 stars; one submission).

Allele frequency attached by ClinVar (database versions not stated): gnomAD 0.00001; gnomAD exomes 0.00001; TOPMed 0.00001.
gnomAD v4.1: 8 of 1,611,662 alleles (0.0005%); highest among the groups gnomAD compares: Non-Finnish European, 0.00068%; no homozygotes.

Submission:

Labcorp Genetics (formerly Invitae), Labcorp
Classification: Uncertain significance. Last evaluated: 2023-04-27. Review status: criteria provided, single submitter. Criteria: Invitae Variant Classification Sherloc (09022015). Collection method: clinical testing. Allele origin: germline.
Comment: This sequence change replaces alanine, which is neutral and non-polar, with valine, which is neutral and non-polar, at codon 5 of the TBX20 protein (p.Ala5Val). This variant is not present in population databases (gnomAD no frequency). This variant has not been reported in the literature in individuals affected with TBX20-related conditions. An algorithm developed to predict the effect of missense changes on protein structure and function (PolyPhen-2) suggests that this variant is likely to be tolerated. In summary, the available evidence is currently insufficient to determine the role of this variant in disease. Therefore, it has been classified as a Variant of Uncertain Significance.